The following is an entry in ClinVar:

NM_015378.4(VPS13D):c.17T>C (p.Val6Ala)

Gene: VPS13D (vacuolar protein sorting 13 homolog D; plus strand). Cytogenetic location: 1p36.22.
Variant type: single nucleotide variant.
Coding change: c.17T>C on transcript NM_015378.4 (MANE Select); coding-DNA position 17, T replaced by C.
Protein change: p.Val6Ala; replaces valine 6 with alanine.
Molecular consequence: missense variant.
Genome position (GRCh38, 1-based): chr1:12,234,283, T>C. VCF-style: chr1-12234283-T-C. GRCh37 (hg19) VCF-style: chr1-12294340-T-C.
Other names: c.17T>C, p.Val6Ala (NM_018156.4); short protein forms V6A.
Identifiers: ClinVar variation 2576812 (VCV002576812.1), dbSNP rs201517076, ClinGen allele CA18066278.

ClinVar aggregate classification (germline): Uncertain significance (1 of 4 stars; one submission).

Allele frequency attached by ClinVar (database versions not stated): TOPMed 0.00001.

Submission:

GeneDx
Classification: Uncertain significance. Last evaluated: 2023-02-14. Review status: criteria provided, single submitter. Criteria: GeneDx Variant Classification Process June 2021. Collection method: clinical testing. Allele origin: germline. Affected: yes.
Comment: Not observed at significant frequency in large population cohorts (gnomAD); In silico analysis supports that this missense variant has a deleterious effect on protein structure/function; Has not been previously published as pathogenic or benign to our knowledge